The following is an entry in ClinVar:

NC_012920.1(MT-ND1):m.3661T>G

Gene: MT-ND1 (mitochondrially encoded NADH dehydrogenase 1; plus strand).
Variant type: single nucleotide variant.
Genome position: chrM-3661-T-G.
Identifiers: ClinVar variation 692385 (VCV000692385.1), dbSNP rs1603219070, ClinGen allele CA414773248.

ClinVar aggregate classification (germline): Uncertain significance (1 of 4 stars; one submission).

Conditions:
Leigh syndrome (NULS). Also called: Leigh's necrotizing encephalopathy; Leigh's disease; Leigh Syndrome (mtDNA deletion); Leigh Disease; Subacute necrotizing encephalopathy; Necrotizing encephalopathy infantile subacute of Leigh. Identifiers: Orphanet 506, MedGen C2931891, MONDO:0009723, OMIM 256000.

Submission:

Wong Mito Lab, Molecular and Human Genetics, Baylor College of Medicine
Classification: Uncertain significance for Leigh syndrome. Last evaluated: 2019-10-17. Review status: criteria provided, single submitter. Criteria: Modified ACMG Guidelines (Unpublished). Collection method: clinical testing. Allele origin: germline.
Comment: The NC_012920.1:m.3661T>G (YP_003024026.1:p.Ser119Ala) variant in MTND1 gene is interpretated to be a Uncertain Significance variant based on the modified ACMG guidelines (unpublished). This variant meets the following evidence codes: BS4